The following is an entry in ClinVar:

NM_177438.3(DICER1):c.3320T>A (p.Phe1107Tyr)

Gene: DICER1 (dicer 1, ribonuclease III; minus strand). Cytogenetic location: 14q32.13.
Variant type: single nucleotide variant.
Coding change: c.3320T>A on transcript NM_177438.3 (MANE Select); coding-DNA position 3320, T replaced by A.
Protein change: p.Phe1107Tyr; replaces phenylalanine 1107 with tyrosine.
Molecular consequence: missense variant.
Genome position (GRCh38, 1-based): chr14:95,104,076, A>T on the plus strand (T>A on the coding strand, the complement: DICER1 is on the minus strand). VCF-style: chr14-95104076-A-T. GRCh37 (hg19) VCF-style: chr14-95570413-A-T.
Other names: c.3320T>A, p.Phe1107Tyr (NM_001195573.1, NM_001271282.3, NM_001291628.2 and 1 more transcripts); short protein forms F1107Y.
Identifiers: ClinVar variation 1417073 (VCV001417073.7), dbSNP rs1891187843, ClinGen allele CA390875922.

ClinVar aggregate classification (germline): Uncertain significance (1 of 4 stars; one submission).

Conditions:
DICER1-related tumor predisposition. Also called: DICER1-related pleuropulmonary blastoma cancer predisposition syndrome; DICER1 syndrome. Identifiers: Orphanet 284343, MedGen C3839822, MONDO:0100216.

Submission:

Labcorp Genetics (formerly Invitae), Labcorp
Classification: Uncertain significance for DICER1-related tumor predisposition. Last evaluated: 2025-04-28. Review status: criteria provided, single submitter. Criteria: Invitae Variant Classification Sherloc (09022015). Collection method: clinical testing. Allele origin: germline.
Comment: This sequence change replaces phenylalanine, which is neutral and non-polar, with tyrosine, which is neutral and polar, at codon 1107 of the DICER1 protein (p.Phe1107Tyr). This variant is not present in population databases (gnomAD no frequency). This variant has not been reported in the literature in individuals affected with DICER1-related conditions. ClinVar contains an entry for this variant (Variation ID: 1417073). Invitae Evidence Modeling of protein sequence and biophysical properties (such as structural, functional, and spatial information, amino acid conservation, physicochemical variation, residue mobility, and thermodynamic stability) indicates that this missense variant is not expected to disrupt DICER1 protein function with a negative predictive value of 95%. In summary, the available evidence is currently insufficient to determine the role of this variant in disease. Therefore, it has been classified as a Variant of Uncertain Significance.